The following is an entry in ClinVar:

NM_000789.4(ACE):c.187C>T (p.Gln63Ter)

Gene: ACE (angiotensin I converting enzyme; plus strand). Cytogenetic location: 17q23.3.
Variant type: single nucleotide variant.
Coding change: c.187C>T on transcript NM_000789.4 (MANE Select); coding-DNA position 187, C replaced by T.
Protein change: p.Gln63Ter; replaces glutamine 63 with a stop codon.
Molecular consequence: nonsense. On other transcripts: 5 prime UTR variant (2).
Genome position (GRCh38, 1-based): chr17:63,477,281, C>T. VCF-style: chr17-63477281-C-T. GRCh37 (hg19) VCF-style: chr17-61554642-C-T.
Other names: c.-49C>T (NM_001382700.1); c.-428C>T (NM_001382701.1); short protein forms Q63*.
Identifiers: ClinVar variation 2635303 (VCV002635303.1), dbSNP rs1278390159, ClinGen allele CA400538967.
Genomic context (GRCh38, chr17:63,477,281, plus strand): 5'-GAGGCCGGGGCGCAGCTCTTCGCGCAGAGCTACAACTCCAGCGCCGAACAGGTGCTGTTC[C>T]AGAGCGTGGCCGCCAGCTGGGCGCACGACACCAACATCACCGCGGAGAATGCAAGGCGCC-3'

ClinVar aggregate classification (germline): Likely pathogenic (1 of 4 stars; one submission).

Conditions:
ACE-related disorder. Also called: ACE-related condition; ACE-related disorders.

Allele frequency attached by ClinVar (database versions not stated): gnomAD exomes below 0.00001.
gnomAD v4.1: 1 of 1,462,846 alleles (0.000068%); highest among the groups gnomAD compares: Non-Finnish European, 0.000091%; no homozygotes.

Submission:

PreventionGenetics, part of Exact Sciences
Classification: Likely pathogenic for ACE-related condition. Last evaluated: 2022-12-28. Review status: criteria provided, single submitter. Criteria: ACMG Guidelines, 2015. Collection method: clinical testing. Allele origin: germline.
Comment: The ACE c.187C>T variant is predicted to result in premature protein termination (p.Gln63*). To our knowledge, this variant has not been reported in the literature. This variant is reported in 0.0020% of alleles in individuals of European (Non-Finnish) descent in gnomAD. Nonsense variants in ACE are expected to be pathogenic. This variant is interpreted as likely pathogenic.